The following is an entry in ClinVar:

NM_006206.6(PDGFRA):c.455C>G (p.Thr152Arg)

Gene: PDGFRA (platelet derived growth factor receptor alpha; plus strand). Cytogenetic location: 4q12.
Variant type: single nucleotide variant.
Coding change: c.455C>G on transcript NM_006206.6 (MANE Select); coding-DNA position 455, C replaced by G.
Protein change: p.Thr152Arg; replaces threonine 152 with arginine.
Molecular consequence: missense variant.
Genome position (GRCh38, 1-based): chr4:54,263,754, C>G. VCF-style: chr4-54263754-C-G. GRCh37 (hg19) VCF-style: chr4-55129921-C-G.
Other names: c.494C>G, p.Thr165Arg (NM_001347830.2); c.455C>G, p.Thr152Arg (NM_001347827.2, NM_001347829.2); c.530C>G, p.Thr177Arg (NM_001347828.2); short protein forms T165R, T152R, T177R.
Identifiers: ClinVar variation 3930198 (VCV003930198.1).
Genomic context (GRCh38, chr4:54,263,754, plus strand): 5'-GAATGACGGATTATTTAGTCATCGTGGAGGATGATGATTCTGCCATTATACCTTGTCGCA[C>G]AACTGATCCCGAGACTCCTGTAACCTTACACAACAGTGAGGGGGTGGTACCTGCCTCCTA-3'
Protein context (NP_006197.1, residues 142-162): DDDSAIIPCR[Thr152Arg]TDPETPVTLH

ClinVar aggregate classification (germline): Uncertain significance (1 of 4 stars; one submission).

Conditions:
Hereditary cancer-predisposing syndrome. Also called: Tumor predisposition; Hereditary neoplastic syndrome; Hereditary Cancer Syndrome; Neoplastic Syndromes, Hereditary. Identifiers: Orphanet 140162, MedGen C0027672, MeSH D009386, MONDO:0015356.

Submission:

Ambry Genetics
Classification: Uncertain significance for Hereditary cancer-predisposing syndrome. Last evaluated: 2025-04-01. Review status: criteria provided, single submitter. Criteria: Ambry Variant Classification Scheme 2023. Collection method: clinical testing. Allele origin: germline.
Comment: The p.T152R variant (also known as c.455C>G), located in coding exon 3 of the PDGFRA gene, results from a C to G substitution at nucleotide position 455. The threonine at codon 152 is replaced by arginine, an amino acid with similar properties. This amino acid position is conserved. In addition, this alteration is predicted to be tolerated by in silico analysis. Based on the available evidence, the clinical significance of this variant remains unclear.